The following is an entry in ClinVar:

NM_001292063.2(OTOG):c.8449T>A (p.Cys2817Ser)

Gene: OTOG (otogelin; plus strand). Cytogenetic location: 11p15.1.
Variant type: single nucleotide variant.
Coding change: c.8449T>A on transcript NM_001292063.2 (MANE Select); coding-DNA position 8449, T replaced by A.
Protein change: p.Cys2817Ser; replaces cysteine 2817 with serine.
Molecular consequence: missense variant.
Genome position (GRCh38, 1-based): chr11:17,643,494, T>A. VCF-style: chr11-17643494-T-A. GRCh37 (hg19) VCF-style: chr11-17665041-T-A.
Other names: c.8485T>A, p.Cys2829Ser (NM_001277269.2); short protein forms C2817S, C2829S.
Identifiers: ClinVar variation 4529524 (VCV004529524.1).
Genomic context (GRCh38, chr11:17,643,494, plus strand): 5'-CTACCTCCCCCGACTTCCTCTCTCTAGGTTGGGGGTTCCGTGGTACCTTCCTTGGAAGGA[T>A]GCTGCAGGACCTGTGAGTGAGCATGGTGGGGGCCCAGGGGTGGGGGGCTCTGATGGGGGC-3'
Protein context (NP_001278992.1, residues 2807-2827): GGSVVPSLEG[Cys2817Ser]CRTCKEDGRS

ClinVar aggregate classification (germline): Uncertain significance (1 of 4 stars; one submission).

gnomAD v4.1: 1 of 1,442,284 alleles (0.000069%); highest among the groups gnomAD compares: Non-Finnish European, 0.000092%; no homozygotes.

Submission:

GeneDx
Classification: Uncertain significance. Last evaluated: 2025-05-14. Review status: criteria provided, single submitter. Criteria: GeneDx Variant Classification Process June 2021. Collection method: clinical testing. Allele origin: germline. Affected: yes.
Comment: Not observed at significant frequency in large population cohorts (gnomAD); In silico analysis supports that this missense variant has a deleterious effect on protein structure/function; Has not been previously published as pathogenic or benign to our knowledge